The following is an entry in ClinVar:

NM_001184880.2(PCDH19):c.571G>C (p.Val191Leu)

Gene: PCDH19 (protocadherin 19; minus strand). Cytogenetic location: Xq22.1.
Variant type: single nucleotide variant.
Coding change: c.571G>C on transcript NM_001184880.2 (MANE Select); coding-DNA position 571, G replaced by C.
Protein change: p.Val191Leu; replaces valine 191 with leucine.
Molecular consequence: missense variant.
Genome position (GRCh38, 1-based): chrX:100,408,027, C>G on the plus strand (G>C on the coding strand, the complement: PCDH19 is on the minus strand). VCF-style: chrX-100408027-C-G. GRCh37 (hg19) VCF-style: chrX-99663025-C-G.
Other names: c.571G>C, p.Val191Leu (NM_001105243.2, NM_020766.3); short protein forms V191L.
Identifiers: ClinVar variation 533851 (VCV000533851.12), dbSNP rs753757730, ClinGen allele CA10468976.
Genomic context (GRCh38, chrX:100,408,027, plus strand): 5'-GCGCAGTGATTCGGAAGCTGTAGTGCGACTGCGTCTCGCGGTCCAGGCTCTTTTCCACCA[C>G]GAGTTCGGCAAAGCGGGAGCCGTCGCCGCGCGTCTTGATCTCCAGGCCGAACAGCTCGTT-3'
Protein context (NP_001171809.1, residues 181-201): RGDGSRFAEL[Val191Leu]VEKSLDRETQ

ClinVar aggregate classification (germline): Uncertain significance. Review status: criteria provided, multiple submitters, no conflicts (2 of 4 stars). 3 submissions from 3 submitters: Uncertain significance (3). Last evaluated 2026-09-16.

Conditions:
Developmental and epileptic encephalopathy, 9 (DEE9). Also called: PCDH19-Related X-Linked Female-Limited Epilepsy with Mental Retardation; EPILEPSY, FEMALE-RESTRICTED, WITH MENTAL RETARDATION; Early infantile epileptic encephalopathy 9; JUBERG-HELLMAN SYNDROME. Identifiers: Orphanet 101039, Orphanet 2076, MedGen C1848137, MONDO:0010246, OMIM 300088. Disease mechanism: loss of function.
PCDH19-related disorder. Also called: PCDH19-related condition.

Allele frequency attached by ClinVar (database versions not stated): ExAC 0.00001; gnomAD 0.00002; TOPMed 0.00004.
gnomAD v4.1: 10 of 1,207,445 alleles (0.00083%); highest among the groups gnomAD compares: African/African-American, 0.0035%; no homozygotes.

Submissions (3):

GeneDx
Classification: Uncertain significance. Last evaluated: 2026-09-16. Review status: criteria provided, single submitter. Criteria: GeneDx Variant Classification Process June 2021. Collection method: clinical testing. Allele origin: germline.
Comment: Reported previously in a patient with Dravet syndrome, abnormal EEG, diffuse mild atrophy on brain MRI, autism, and an IQ of 31; however, no segregation information was provided (PMID: 22050978); Published functional studies suggest that this variant negatively affects gene function and likely contributes to abnormal cell aggregation; however, further studies are needed (PMID: 34082468, 38516276); Not observed at significant frequency in large population cohorts (gnomAD); In silico analysis supports that this missense variant has a deleterious effect on protein structure/function; This variant is associated with the following publications: (PMID: 27787195, 38516276, 34082468, 22050978, 35359639)

PreventionGenetics, part of Exact Sciences
Classification: Uncertain significance for PCDH19-related condition. Last evaluated: 2026-03-05. Review status: criteria provided, single submitter. Criteria: ACMG Guidelines, 2015. Collection method: clinical testing. Allele origin: germline.
Comment: The PCDH19 c.571G>C variant is predicted to result in the amino acid substitution p.Val191Leu. Functional studies suggest that this variant may impact protein function (Figure 3, Pham et al. 2021. PubMed ID: 34082468; Motosugi et al. 2024. PubMed: 38516276). This variant is reported in 0.0081% of alleles in individuals of African descent in gnomAD. Although we suspect that this variant may be pathogenic, at this time, the clinical significance is uncertain due to the absence of conclusive functional and genetic evidence.

Labcorp Genetics (formerly Invitae), Labcorp
Classification: Uncertain significance for Developmental and epileptic encephalopathy, 9. Last evaluated: 2024-09-30. Review status: criteria provided, single submitter. Criteria: Invitae Variant Classification Sherloc (09022015). Collection method: clinical testing. Allele origin: germline.
Comment: This sequence change replaces valine, which is neutral and non-polar, with leucine, which is neutral and non-polar, at codon 191 of the PCDH19 protein (p.Val191Leu). This variant is present in population databases (rs753757730, gnomAD 0.008%). This missense change has been observed in individual(s) with clinical features of developmental and epileptic encephalopathy (PMID: 22050978). ClinVar contains an entry for this variant (Variation ID: 533851). Invitae Evidence Modeling of protein sequence and biophysical properties (such as structural, functional, and spatial information, amino acid conservation, physicochemical variation, residue mobility, and thermodynamic stability) has been performed for this missense variant. However, the output from this modeling did not meet the statistical confidence thresholds required to predict the impact of this variant on PCDH19 protein function. Experimental studies have shown that this missense change affects PCDH19 function (PMID: 34082468). In summary, the available evidence is currently insufficient to determine the role of this variant in disease. Therefore, it has been classified as a Variant of Uncertain Significance.

Literature cited by the submitters: PubMed 22050978 (cited by Labcorp Genetics (formerly Invitae), Labcorp); PubMed 34082468 (cited by Labcorp Genetics (formerly Invitae), Labcorp).